The following is an entry in ClinVar:

ClinVar aggregate classification (germline): Likely benign (1 of 4 stars; one submission).

Conditions:
Sorsby fundus dystrophy (SFD). Also called: MACULAR DYSTROPHY, HEMORRHAGIC; FUNDUS DYSTROPHY, PSEUDOINFLAMMATORY, OF SORSBY; Sorsby fundus dystrophy, Lavia type. Identifiers: Orphanet 59181, MedGen C1850938, MONDO:0007640, OMIM 136900.

Allele frequency attached by ClinVar (database versions not stated): ExAC 0.00002; gnomAD exomes 0.00002.
gnomAD v4.1: 31 of 1,611,974 alleles (0.0019%); highest among the groups gnomAD compares: Non-Finnish European, 0.0025%; no homozygotes.

Submission:

Illumina Laboratory Services, Illumina
Classification: Likely benign for Sorsby fundus dystrophy. Last evaluated: 2018-01-13. Review status: criteria provided, single submitter. Criteria: ICSL Variant Classification Criteria 13 December 2019. Collection method: clinical testing. Allele origin: germline.
Comment: This variant was observed in the ICSL laboratory as part of a predisposition screen in an ostensibly healthy population. It had not been previously curated by ICSL or reported in the Human Gene Mutation Database (HGMD: prior to June 1st, 2018), and was therefore a candidate for classification through an automated scoring system. Utilizing variant allele frequency, disease prevalence and penetrance estimates, and inheritance mode, an automated score was calculated to assess if this variant is too frequent to cause the disease. Based on the score and internal cut-off values, a variant classified as likely benign is not then subjected to further curation. The score for this variant resulted in a classification of likely benign for this disease.

NM_000362.5(TIMP3):c.615C>T (p.Ile205=)

Genes: TIMP3 (TIMP metallopeptidase inhibitor 3; plus strand), SYN3 (synapsin III; minus strand). Cytogenetic location: 22q12.3.
Variant type: single nucleotide variant.
Coding change: c.615C>T on transcript NM_000362.5 (MANE Select); coding-DNA position 615, C replaced by T.
Protein change: p.Ile205=; no amino-acid change (isoleucine 205 retained).
Molecular consequence: synonymous variant. On other transcripts: intron variant (7).
Genome position (GRCh38, 1-based): chr22:32,859,356, C>T. VCF-style: chr22-32859356-C-T. GRCh37 (hg19) VCF-style: chr22-33255343-C-T.
Other names: c.708+5559G>A (NM_001369909.1, NM_001135774.2, NM_001369910.1); c.711+5559G>A (NM_001369907.1, NM_003490.4, NM_001369908.1 and 1 more transcripts).
Identifiers: ClinVar variation 901719 (VCV000901719.4), dbSNP rs749317282, ClinGen allele CA10202296.
Genomic context (GRCh38, chr22:32,859,356, plus strand): 5'-CCGGCAGAAGGGCGGCTACTGCAGCTGGTACCGAGGATGGGCCCCCCCGGATAAAAGCAT[C>T]ATCAATGCCACAGACCCCTGAGCGCCAGACCCTGCCCCACCTCACTTCCCTCCCTTCCCG-3'
Protein context (NP_000353.1, residues 195-211): YRGWAPPDKS[Ile205=]INATDP